The following is an entry in ClinVar:

NM_005732.4(RAD50):c.2404C>A (p.Leu802Ile)

Gene: RAD50 (RAD50 double strand break repair protein; plus strand). Cytogenetic location: 5q31.1.
Variant type: single nucleotide variant.
Coding change: c.2404C>A on transcript NM_005732.4 (MANE Select); coding-DNA position 2404, C replaced by A.
Protein change: p.Leu802Ile; replaces leucine 802 with isoleucine.
Molecular consequence: missense variant.
Genome position (GRCh38, 1-based): chr5:132,603,926, C>A. VCF-style: chr5-132603926-C-A. GRCh37 (hg19) VCF-style: chr5-131939618-C-A.
Other names: short protein forms L802I.
Identifiers: ClinVar variation 967503 (VCV000967503.10), dbSNP rs752214704, ClinGen allele CA360955311.
Genomic context (GRCh38, chr5:132,603,926, plus strand): 5'-TTTTGAATAATGCAGTAAGTTTATTAAAGGAAATCATTTTGTTATATTCTTAAGATGGAA[C>A]TTAAAGATGTTGAAAGAAAAATTGCACAACAAGCAGCTAAGCTACAAGGAATAGACTTAG-3'
Protein context (NP_005723.2, residues 792-812): VTIMERFQME[Leu802Ile]KDVERKIAQQ

ClinVar aggregate classification (germline): Uncertain significance (1 of 4 stars; one submission).

Conditions:
Hereditary cancer-predisposing syndrome. Also called: Hereditary neoplastic syndrome; Neoplastic Syndromes, Hereditary; Hereditary Cancer Syndrome; Tumor predisposition. Identifiers: Orphanet 140162, MedGen C0027672, MeSH D009386, MONDO:0015356.

Submission:

Labcorp Genetics (formerly Invitae), Labcorp
Classification: Uncertain significance for Hereditary cancer-predisposing syndrome. Last evaluated: 2019-10-28. Review status: criteria provided, single submitter. Criteria: Invitae Variant Classification Sherloc (09022015). Collection method: clinical testing. Allele origin: germline.
Comment: This sequence change replaces leucine with isoleucine at codon 802 of the RAD50 protein (p.Leu802Ile). The leucine residue is moderately conserved and there is a small physicochemical difference between leucine and isoleucine. This variant is not present in population databases (ExAC no frequency). This variant has not been reported in the literature in individuals with RAD50-related conditions. Algorithms developed to predict the effect of missense changes on protein structure and function (SIFT, PolyPhen-2, Align-GVGD) all suggest that this variant is likely to be tolerated, but these predictions have not been confirmed by published functional studies and their clinical significance is uncertain. In summary, the available evidence is currently insufficient to determine the role of this variant in disease. Therefore, it has been classified as a Variant of Uncertain Significance.